The following is an entry in ClinVar:

NM_004614.5(TK2):c.302A>G (p.Asp101Gly)

Gene: TK2 (thymidine kinase 2; minus strand). Cytogenetic location: 16q21.
Variant type: single nucleotide variant.
Coding change: c.302A>G on transcript NM_004614.5 (MANE Select); coding-DNA position 302, A replaced by G.
Protein change: p.Asp101Gly; replaces aspartic acid 101 with glycine.
Molecular consequence: missense variant. On other transcripts: non-coding transcript variant (1).
Genome position (GRCh38, 1-based): chr16:66,531,453, T>C on the plus strand (A>G on the coding strand, the complement: TK2 is on the minus strand). VCF-style: chr16-66531453-T-C. GRCh37 (hg19) VCF-style: chr16-66565356-T-C.
Other names: c.209A>G, p.Asp70Gly (NM_001172643.1, NM_001271935.1); c.227A>G, p.Asp76Gly (NM_001172644.2); c.248A>G, p.Asp83Gly (NM_001172645.2); c.155A>G, p.Asp52Gly (NM_001271934.2); c.11A>G, p.Asp4Gly (NM_001272050.2); c.302A>G (NM_004614.4); short protein forms D70G, D101G, D4G, D52G, D76G, D83G.
Identifiers: ClinVar variation 1519237 (VCV001519237.10), dbSNP rs2144409814, ClinGen allele CA396190669.

ClinVar aggregate classification (germline): Uncertain significance. Review status: criteria provided, multiple submitters, no conflicts (2 of 4 stars). 2 submissions from 2 submitters: Uncertain significance (2). Last evaluated 2022-06-27.

Submissions (2):

Labcorp Genetics (formerly Invitae), Labcorp
Classification: Uncertain significance. Last evaluated: 2022-06-27. Review status: criteria provided, single submitter. Criteria: Invitae Variant Classification Sherloc (09022015). Collection method: clinical testing. Allele origin: germline.
Comment: In summary, the available evidence is currently insufficient to determine the role of this variant in disease. Therefore, it has been classified as a Variant of Uncertain Significance. Algorithms developed to predict the effect of sequence changes on RNA splicing suggest that this variant may create or strengthen a splice site. Algorithms developed to predict the effect of missense changes on protein structure and function are either unavailable or do not agree on the potential impact of this missense change (SIFT: "Deleterious"; PolyPhen-2: "Possibly Damaging"; Align-GVGD: "Class C0"). This variant has not been reported in the literature in individuals affected with TK2-related conditions. This variant is not present in population databases (gnomAD no frequency). This sequence change replaces aspartic acid, which is acidic and polar, with glycine, which is neutral and non-polar, at codon 101 of the TK2 protein (p.Asp101Gly).

Revvity Omics, Revvity
Classification: Uncertain significance. Last evaluated: 2019-01-29. Review status: criteria provided, single submitter. Criteria: ACMG Guidelines, 2015. Collection method: clinical testing. Allele origin: germline.